The following is an entry in ClinVar:

ClinVar aggregate classification (germline): Uncertain significance (1 of 4 stars; one submission).

gnomAD v4.1: 1 of 1,614,186 alleles (0.000062%); highest among the groups gnomAD compares: Admixed American, 0.0017%; no homozygotes.

Submission:

Labcorp Genetics (formerly Invitae), Labcorp
Classification: Uncertain significance. Last evaluated: 2022-05-25. Review status: criteria provided, single submitter. Criteria: Invitae Variant Classification Sherloc (09022015). Collection method: clinical testing. Allele origin: germline.
Comment: This sequence change replaces methionine, which is neutral and non-polar, with leucine, which is neutral and non-polar, at codon 44 of the RHO protein (p.Met44Leu). This variant is present in population databases (no rsID available, gnomAD 0.003%). This variant has not been reported in the literature in individuals affected with RHO-related conditions. Advanced modeling of protein sequence and biophysical properties (such as structural, functional, and spatial information, amino acid conservation, physicochemical variation, residue mobility, and thermodynamic stability) performed at Invitae indicates that this missense variant is not expected to disrupt RHO protein function. This variant disrupts the p.Met44 amino acid residue in RHO. Other variant(s) that disrupt this residue have been determined to be pathogenic (PMID: 8076945, 12646201, 19913029, 29847639, 30240733; Invitae). This suggests that this residue is clinically significant, and that variants that disrupt this residue are likely to be disease-causing. In summary, the available evidence is currently insufficient to determine the role of this variant in disease. Therefore, it has been classified as a Variant of Uncertain Significance.

Literature cited by the submitters: PubMed 8076945; PubMed 12646201; PubMed 19913029; PubMed 29847639; PubMed 30240733.

NM_000539.3(RHO):c.130A>C (p.Met44Leu)

Gene: RHO (rhodopsin; plus strand). Cytogenetic location: 3q22.1.
Variant type: single nucleotide variant.
Coding change: c.130A>C on transcript NM_000539.3 (MANE Select); coding-DNA position 130, A replaced by C.
Protein change: p.Met44Leu; replaces methionine 44 with leucine.
Molecular consequence: missense variant.
Genome position (GRCh38, 1-based): chr3:129,528,863, A>C. VCF-style: chr3-129528863-A-C. GRCh37 (hg19) VCF-style: chr3-129247706-A-C.
Other names: short protein forms M44L.
Identifiers: ClinVar variation 1983518 (VCV001983518.4), dbSNP rs1287941897, ClinGen allele CA354495864.